The following is an entry in ClinVar:

ClinVar aggregate classification (germline): Conflicting classifications of pathogenicity. Review status: criteria provided, conflicting classifications (1 of 4 stars). 5 submissions from 5 submitters: Uncertain significance (3); Likely benign (1). 1 of the submissions does not count toward it. Last evaluated 2024-10-14.

Conditions:
Neurodevelopmental disorder and structural brain anomalies with or without seizures and spasticity. Identifiers: MedGen C5394423, MONDO:0030046, OMIM 618890.
Global developmental delay (DD). Also called: Cognitive delay. Identifiers: MedGen C0557874, HP:0001263. Disease mechanism: loss of function.
Brain atrophy. Identifiers: MedGen C4551584, HP:0012444.

Allele frequency attached by ClinVar (database versions not stated): ExAC 0.00003; gnomAD exomes 0.00003; gnomAD 0.00004 and 0.00005.
gnomAD v4.1: 44 of 1,297,068 alleles (0.0034%); highest among the groups gnomAD compares: Middle Eastern, 0.021%; no homozygotes.

Submissions (5):

Blueprint Genetics
Classification: Uncertain significance. Last evaluated: 2024-10-14. Review status: criteria provided, single submitter. Criteria: ACMG Guidelines, 2015. Collection method: clinical testing. Allele origin: germline.

3billion
Classification: Likely benign for Neurodevelopmental disorder and structural brain anomalies with or without seizures and spasticity. Last evaluated: 2024-09-20. Review status: criteria provided, single submitter. Criteria: ACMG Guidelines, 2015. Collection method: clinical testing. Allele origin: germline. Affected: no.
Comment: The homozygous variant was found in patients diagnosed with another variant in a different gene, with no symptoms related to the gene containing the homozygous variant.

Labcorp Genetics (formerly Invitae), Labcorp
Classification: Uncertain significance. Last evaluated: 2022-09-27. Review status: criteria provided, single submitter. Criteria: Invitae Variant Classification Sherloc (09022015). Collection method: clinical testing. Allele origin: germline.
Comment: This sequence change replaces glutamine, which is neutral and polar, with arginine, which is basic and polar, at codon 916 of the PTPN23 protein (p.Gln916Arg). This variant is present in population databases (rs770692989, gnomAD 0.007%). This missense change has been observed in individual(s) with clinical features of PTPN23-related conditions (PMID: 31395947). ClinVar contains an entry for this variant (Variation ID: 636314). Algorithms developed to predict the effect of missense changes on protein structure and function are either unavailable or do not agree on the potential impact of this missense change (SIFT: "Tolerated"; PolyPhen-2: "Not Available"; Align-GVGD: "Class C0"). In summary, the available evidence is currently insufficient to determine the role of this variant in disease. Therefore, it has been classified as a Variant of Uncertain Significance.

Centre for Mendelian Genomics, University Medical Centre Ljubljana
Classification: Uncertain significance for Neurodevelopmental disorder and structural brain anomalies with or without seizures and spasticity. Last evaluated: 2019-12-18. Review status: criteria provided, single submitter. Criteria: ACMG Guidelines, 2015. Collection method: clinical testing. Allele origin: unknown. Affected: yes.
Comment: This variant was classified as: Uncertain significance. The available evidence on this variant's pathogenicity is insufficient or conflicting. The following ACMG criteria were applied in classifying this variant: PM2,PP5,BP4.

Regeneron Genetics Center, Regeneron
Classification: Likely pathogenic for Global developmental delay; Brain atrophy. Last evaluated: 2019-02-15. Review status: no assertion criteria provided. Collection method: research. Allele origin: germline. Affected: yes. Not counted in ClinVar's aggregate classification.
Comment: Identified in cohort of patients with neurodevelopmental disorder accompanied by structural brain abnormalities

Literature cited by the submitters: PubMed 31395947 (cited by Labcorp Genetics (formerly Invitae), Labcorp).

NM_015466.4(PTPN23):c.2747A>G (p.Gln916Arg)

Gene: PTPN23 (protein tyrosine phosphatase non-receptor type 23; plus strand). Cytogenetic location: 3p21.31.
Variant type: single nucleotide variant.
Coding change: c.2747A>G on transcript NM_015466.4 (MANE Select); coding-DNA position 2747, A replaced by G.
Protein change: p.Gln916Arg; replaces glutamine 916 with arginine.
Molecular consequence: missense variant.
Genome position (GRCh38, 1-based): chr3:47,410,545, A>G. VCF-style: chr3-47410545-A-G. GRCh37 (hg19) VCF-style: chr3-47452035-A-G.
Other names: c.2369A>G, p.Gln790Arg (NM_001304482.2); short protein forms Q916R, Q790R.
Identifiers: ClinVar variation 636314 (VCV000636314.10), dbSNP rs770692989, ClinGen allele CA2366116.